The following is an entry in ClinVar:

NM_003803.4(MYOM1):c.2653C>G (p.Pro885Ala)

Gene: MYOM1 (myomesin 1; minus strand). Cytogenetic location: 18p11.31.
Variant type: single nucleotide variant.
Coding change: c.2653C>G on transcript NM_003803.4 (MANE Select); coding-DNA position 2653, C replaced by G.
Protein change: p.Pro885Ala; replaces proline 885 with alanine.
Molecular consequence: missense variant. On other transcripts: intron variant (1).
Genome position (GRCh38, 1-based): chr18:3,129,373, G>C on the plus strand (C>G on the coding strand, the complement: MYOM1 is on the minus strand). VCF-style: chr18-3129373-G-C. GRCh37 (hg19) VCF-style: chr18-3129371-G-C.
Other names: c.2506+2002C>G (NM_019856.2); short protein forms P885A.
Identifiers: ClinVar variation 410242 (VCV000410242.12), dbSNP rs764303814, ClinGen allele CA8874562.

ClinVar aggregate classification (germline): Uncertain significance. Review status: criteria provided, multiple submitters, no conflicts (2 of 4 stars). 2 submissions from 2 submitters: Uncertain significance (2). Last evaluated 2025-03-02.

Conditions:
Hypertrophic cardiomyopathy. Also called: HYPERTROPHIC MYOCARDIOPATHY. Identifiers: Orphanet 217569, MedGen C0007194, MeSH D002312, MONDO:0005045, HP:0001639.

Allele frequency attached by ClinVar (database versions not stated): ExAC 0.00001; gnomAD exomes 0.00001; TOPMed 0.00001; gnomAD 0.00002.
gnomAD v4.1: 5 of 1,613,868 alleles (0.00031%); highest among the groups gnomAD compares: African/African-American, 0.0067%; no homozygotes.

Submissions (2):

Ambry Genetics
Classification: Uncertain significance. Last evaluated: 2025-03-02. Review status: criteria provided, single submitter. Criteria: Ambry Variant Classification Scheme 2023. Collection method: clinical testing. Allele origin: germline.
Comment: The p.P885A variant (also known as c.2653C>G), located in coding exon 17 of the MYOM1 gene, results from a C to G substitution at nucleotide position 2653. The proline at codon 885 is replaced by alanine, an amino acid with highly similar properties. This amino acid position is conserved. In addition, this alteration is predicted to be tolerated by in silico analysis. Since supporting evidence is limited at this time, the clinical significance of this alteration remains unclear.

Labcorp Genetics (formerly Invitae), Labcorp
Classification: Uncertain significance for Hypertrophic cardiomyopathy. Last evaluated: 2016-10-04. Review status: criteria provided, single submitter. Criteria: Invitae Variant Classification Sherloc (09022015). Collection method: clinical testing. Allele origin: germline.
Comment: Algorithms developed to predict the effect of missense changes on protein structure and function (SIFT, PolyPhen-2, Align-GVGD) all suggest that this variant is likely to be tolerated, but these predictions have not been confirmed by published functional studies. In summary, this variant is a rare missense change with uncertain impact on splicing. It has been classified as a Variant of Uncertain Significance. Algorithms developed to predict the effect of sequence changes on RNA splicing suggest that this variant may alter RNA splicing, but this prediction has not been confirmed by published transcriptional studies. The frequency data for this variant (rs764303814) in the population databases is unreliable, as metrics indicate poor quality at this position in the ExAC database. This variant has not been reported in the literature in an individual with a MYOM1-related disease. This sequence change replaces proline with alanine at codon 885 of the MYOM1 protein (p.Pro885Ala). The proline residue is weakly conserved and there is a small physicochemical difference between proline and alanine.